The following is an entry in ClinVar:

NM_000053.4(ATP7B):c.2994C>T (p.Gly998=)

Gene: ATP7B (ATPase copper transporting beta; minus strand). Cytogenetic location: 13q14.3.
Variant type: single nucleotide variant.
Coding change: c.2994C>T on transcript NM_000053.4 (MANE Select); coding-DNA position 2994, C replaced by T.
Protein change: p.Gly998=; no amino-acid change (glycine 998 retained).
Molecular consequence: synonymous variant.
Genome position (GRCh38, 1-based): chr13:51,946,350, G>A on the plus strand (C>T on the coding strand, the complement: ATP7B is on the minus strand). VCF-style: chr13-51946350-G-A. GRCh37 (hg19) VCF-style: chr13-52520486-G-A.
Other names: c.2373C>T, p.Gly791= (NM_001005918.3); c.2661C>T, p.Gly887= (NM_001243182.2); c.2760C>T, p.Gly920= (NM_001330578.2); c.2742C>T, p.Gly914= (NM_001330579.2).
Identifiers: ClinVar variation 714642 (VCV000714642.21), dbSNP rs373102009, ClinGen allele CA6988843.

ClinVar aggregate classification (germline): Conflicting classifications of pathogenicity. Review status: criteria provided, conflicting classifications (1 of 4 stars). 7 submissions from 7 submitters: Uncertain significance (4); Likely benign (3). Last evaluated 2026-01-26.

Conditions:
Wilson disease (WND). Also called: Wilson's disease. Identifiers: Orphanet 905, MedGen C0019202, MONDO:0010200, OMIM 277900. Disease mechanism: loss of function.

Allele frequency attached by ClinVar (database versions not stated): gnomAD exomes 0.00005 and 0.00007; TOPMed 0.00006; ESP Exome Variant Server 0.00008; gnomAD 0.00009; ExAC 0.00011.
gnomAD v4.1: 90 of 1,612,124 alleles (0.0056%); highest among the groups gnomAD compares: Middle Eastern, 0.019%; no homozygotes.

Submissions (7):

Labcorp Genetics (formerly Invitae), Labcorp
Classification: Likely benign for Wilson disease. Last evaluated: 2026-01-26. Review status: criteria provided, single submitter. Criteria: Invitae Variant Classification Sherloc (09022015). Collection method: clinical testing. Allele origin: germline.

GeneDx
Classification: Uncertain significance. Last evaluated: 2025-10-16. Review status: criteria provided, single submitter. Criteria: GeneDx Variant Classification Process June 2021. Collection method: clinical testing. Allele origin: germline. Affected: yes.
Comment: Reported previously as a polymorphism in an individual with Wilson disease (PMID: 26799313); In vitro minigene assay showed that the c.2994C>T leads to alternative splicing; although the wild type transcript may still be produced (PMID: 33719328); In silico analysis supports a deleterious effect on splicing; This variant is associated with the following publications: (PMID: 26799313, 33719328)

Color Diagnostics, LLC DBA Color Health
Classification: Uncertain significance for Wilson disease. Last evaluated: 2025-06-04. Review status: criteria provided, single submitter. Criteria: ACMG Guidelines, 2015. Collection method: clinical testing. Allele origin: germline.
Comment: This synonymous variant causes a C>T nucleotide change in exon 13 of the ATP7B protein. Splice site prediction tools suggest that this variant may have a significant impact on RNA splicing. An RNA study using minigene assays has shown that this variant results in an abnormal transcript (PMID: 33719328). This variant has not been reported in individuals affected with Wilson disease in the literature. This variant has been identified in 24/277462 chromosomes in the general population by the Genome Aggregation Database (gnomAD). The available evidence is insufficient to determine the role of this variant in disease conclusively. Therefore, this variant is classified as a Variant of Uncertain Significance.

Blueprint Genetics
Classification: Likely benign. Last evaluated: 2024-10-10. Review status: criteria provided, single submitter. Criteria: ACMG Guidelines, 2015. Collection method: clinical testing. Allele origin: germline.

All of Us Research Program, National Institutes of Health
Classification: Uncertain significance for Wilson disease. Last evaluated: 2024-02-05. Review status: criteria provided, single submitter. Criteria: ACMG Guidelines, 2015. Collection method: clinical testing. Allele origin: germline. Inheritance: Autosomal recessive inheritance. Observed: 17 variant alleles, 17 heterozygotes.
Comment: This synonymous variant causes a C>T nucleotide change in exon 13 of the ATP7B protein. Splice site prediction tools suggest that this variant may have a significant impact on RNA splicing. Studies in minigene assays showed this variant produced an abnormal transcript (PMID: 33719328). This variant has not been reported in individuals affected with Wilson disease in the literature. This variant has been identified in 24/277462 chromosomes in the general population by the Genome Aggregation Database (gnomAD). The available evidence is insufficient to determine the role of this variant in disease conclusively. Therefore, this variant is classified as a Variant of Uncertain Significance.

This study involves interpretation of variants in research participants for the purpose of population health screening. Participant phenotype was not available at the time of variant classification. Additional details can be found in publication PMID: 35346344, PMCID: PMC8962531

Genome-Nilou Lab
Classification: Likely benign for Wilson disease. Last evaluated: 2021-08-10. Review status: criteria provided, single submitter. Criteria: ACMG Guidelines, 2015. Collection method: clinical testing. Allele origin: germline. Affected: no.

Illumina Laboratory Services, Illumina
Classification: Uncertain significance for Wilson disease. Last evaluated: 2019-04-22. Review status: criteria provided, single submitter. Criteria: ICSL Variant Classification Criteria 13 December 2019. Collection method: clinical testing. Allele origin: germline.
Comment: This variant was observed as part of a predisposition screen in an ostensibly healthy population. A literature search was performed for the gene, cDNA change, and amino acid change (where applicable). Publications were found based on this search. However, the evidence from the literature, in combination with allele frequency data from public databases where available, was not sufficient to rule this variant in or out of causing disease. Therefore, this variant is classified as a variant of unknown significance.

Literature cited by the submitters: PubMed 33719328 (cited by Color Diagnostics, LLC DBA Color Health and All of Us Research Program, National Institutes of Health); PubMed 26799313 (cited by Illumina Laboratory Services, Illumina).